The following is an entry in ClinVar:

ClinVar aggregate classification (germline): Uncertain significance (1 of 4 stars; one submission).

Submission:

Labcorp Genetics (formerly Invitae), Labcorp
Classification: Uncertain significance. Last evaluated: 2025-09-04. Review status: criteria provided, single submitter. Criteria: Invitae Variant Classification Sherloc (09022015). Collection method: clinical testing. Allele origin: germline.
Comment: This sequence change replaces valine, which is neutral and non-polar, with leucine, which is neutral and non-polar, at codon 557 of the MYLK3 protein (p.Val557Leu). This variant is not present in population databases (gnomAD no frequency). This variant has not been reported in the literature in individuals affected with MYLK3-related conditions. An algorithm developed to predict the effect of missense changes on protein structure and function (PolyPhen-2) suggests that this variant is likely to be disruptive. In summary, the available evidence is currently insufficient to determine the role of this variant in disease. Therefore, it has been classified as a Variant of Uncertain Significance.

NM_182493.3(MYLK3):c.1669G>C (p.Val557Leu)

Gene: MYLK3 (myosin light chain kinase 3; minus strand). Cytogenetic location: 16q11.2.
Variant type: single nucleotide variant.
Coding change: c.1669G>C on transcript NM_182493.3 (MANE Select); coding-DNA position 1669, G replaced by C.
Protein change: p.Val557Leu; replaces valine 557 with leucine.
Molecular consequence: missense variant.
Genome position (GRCh38, 1-based): chr16:46,729,127, C>G on the plus strand (G>C on the coding strand, the complement: MYLK3 is on the minus strand). VCF-style: chr16-46729127-C-G. GRCh37 (hg19) VCF-style: chr16-46763039-C-G.
Other names: c.646G>C, p.Val216Leu (NM_001308301.1); short protein forms V557L, V216L.
Identifiers: ClinVar variation 4726342 (VCV004726342.1).